The following is an entry in ClinVar:

NM_021008.4(DEAF1):c.399G>C (p.Thr133=)

Gene: DEAF1 (DEAF1 transcription factor; minus strand). Cytogenetic location: 11p15.5.
Variant type: single nucleotide variant.
Coding change: c.399G>C on transcript NM_021008.4 (MANE Select); coding-DNA position 399, G replaced by C.
Protein change: p.Thr133=; no amino-acid change (threonine 133 retained).
Molecular consequence: synonymous variant. On other transcripts: 5 prime UTR variant (3), intron variant (1).
Genome position (GRCh38, 1-based): chr11:688,449, C>G on the plus strand (G>C on the coding strand, the complement: DEAF1 is on the minus strand). VCF-style: chr11-688449-C-G. GRCh37 (hg19) VCF-style: chr11-688449-C-G.
Other names: c.399G>C, p.Thr133= (NM_001293634.2, NM_001440883.1, NM_001440884.1); c.-328G>C (NM_001367390.1, NM_001440886.1, NM_001440887.1); c.-209-392G>C (NM_001440885.1).
Identifiers: ClinVar variation 4823427 (VCV004823427.4).

ClinVar aggregate classification (germline): Likely benign (1 of 4 stars; one submission).

Submission:

CeGaT Center for Human Genetics Tuebingen
Classification: Likely benign. Last evaluated: 2026-02-01. Review status: criteria provided, single submitter. Criteria: CeGaT Center For Human Genetics Tuebingen Variant Classification Criteria Version 2. Collection method: clinical testing. Allele origin: germline. Affected: yes. Observed: 1 variant allele.
Comment: DEAF1: PM2:Supporting, BP4, BP7